The following is an entry in ClinVar:

ClinVar aggregate classification (germline): Conflicting classifications of pathogenicity. Review status: criteria provided, conflicting classifications (1 of 4 stars). 5 submissions from 5 submitters: Uncertain significance (2); Likely benign (2). 1 of the submissions does not count toward it. Last evaluated 2026-08-11.

Conditions:
Inborn genetic diseases. Identifiers: MedGen C0950123, MeSH D030342.
Deficiency of acetyl-CoA acetyltransferase. Also called: MITOCHONDRIAL ACETOACETYL-CoA THIOLASE DEFICIENCY; 3-KETOTHIOLASE DEFICIENCY; 3-OXOTHIOLASE DEFICIENCY; Beta-ketothiolase deficiency. Identifiers: Orphanet 134, MedGen C1536500, MONDO:0008760, OMIM 203750. Disease mechanism: loss of function.

Allele frequency attached by ClinVar (database versions not stated): ESP Exome Variant Server 0.00038; gnomAD 0.00021 and 0.00020; TOPMed 0.00021.
gnomAD v4.1: 618 of 1,366,260 alleles (0.045%); highest among the groups gnomAD compares: Non-Finnish European, 0.058%; no homozygotes.

Submissions (7):

GeneDx
Classification: Uncertain significance. Last evaluated: 2026-08-11. Review status: criteria provided, single submitter. Criteria: GeneDx Variant Classification Process June 2021. Collection method: clinical testing. Allele origin: germline.
Comment: Has not been previously published as pathogenic or benign to our knowledge; In silico analysis suggests that this missense variant does not alter protein structure/function

Labcorp Genetics (formerly Invitae), Labcorp
Classification: Likely benign for Deficiency of acetyl-CoA acetyltransferase. Last evaluated: 2026-01-25. Review status: criteria provided, single submitter. Criteria: Invitae Variant Classification Sherloc (09022015). Collection method: clinical testing. Allele origin: germline.

Ambry Genetics
Classification: Likely benign for Inborn genetic diseases. Last evaluated: 2023-01-06. Review status: criteria provided, single submitter. Criteria: Ambry Variant Classification Scheme 2023. Collection method: clinical testing. Allele origin: germline.

Illumina Laboratory Services, Illumina
Classification: Uncertain significance for Deficiency of acetyl-CoA acetyltransferase. Last evaluated: 2018-01-13. Review status: criteria provided, single submitter. Criteria: ICSL Variant Classification Criteria 13 December 2019. Collection method: clinical testing. Allele origin: germline.

Natera, Inc.
Classification: Likely benign for Alpha-methylacetoacetic aciduria. Last evaluated: 2019-10-28. Review status: no assertion criteria provided. Collection method: clinical testing. Allele origin: germline. Not counted in ClinVar's aggregate classification.

Dr. Peter K. Rogan Lab, Western University
No classification provided (evidence only). Condition: Lung cancer. Review status: no classification provided. Collection method: in vitro. Allele origin: not applicable. Functional consequence: retained intron. Not counted in ClinVar's aggregate classification.

Dr. Peter K. Rogan Lab, Western University
No classification provided (evidence only). Condition: Malignant tumor of esophagus. Review status: no classification provided. Collection method: in vitro. Allele origin: not applicable. Functional consequence: retained intron. Not counted in ClinVar's aggregate classification.

NM_000019.4(ACAT1):c.979A>G (p.Ile327Val)

Gene: ACAT1 (acetyl-CoA acetyltransferase 1; plus strand). Cytogenetic location: 11q22.3.
Variant type: single nucleotide variant.
Coding change: c.979A>G on transcript NM_000019.4 (MANE Select); coding-DNA position 979, A replaced by G.
Protein change: p.Ile327Val; replaces isoleucine 327 with valine.
Molecular consequence: missense variant.
Genome position (GRCh38, 1-based): chr11:108,144,021, A>G. VCF-style: chr11-108144021-A-G. GRCh37 (hg19) VCF-style: chr11-108014748-A-G.
Other names: c.979A>G, p.Ile327Val (LRG_1400t1); short protein forms I327V.
Identifiers: ClinVar variation 302205 (VCV000302205.23), dbSNP rs150038447, ClinGen allele CA6263324.
Genomic context (GRCh38, chr11:108,144,021, plus strand): 5'-CCCCCCCCCTTTTTTTAAACAGCATTTGCTGACGCTGCTGTAGAACCTATTGATTTTCCA[A>G]TTGCTCCTGTATATGCTGCATCTATGGTGAGAACAAAGTGAGGGGCGATACTCCATTATG-3'
Protein context (NP_000010.1, residues 317-337): DAAVEPIDFP[Ile327Val]APVYAASMVL